The following is an entry in ClinVar:

ClinVar aggregate classification (germline): Uncertain significance (1 of 4 stars; one submission).

Conditions:
RFT1-congenital disorder of glycosylation (CDG1N). Also called: Congenital disorder of glycosylation type In; RFT1-CDG; CDG In. Identifiers: Orphanet 244310, MedGen C2677590, MONDO:0012783, OMIM 612015.

Allele frequency attached by ClinVar (database versions not stated): gnomAD exomes below 0.00001.
gnomAD v4.1: 1 of 1,614,152 alleles (0.000062%); highest among the groups gnomAD compares: Admixed American, 0.0017%; no homozygotes.

Submission:

Labcorp Genetics (formerly Invitae), Labcorp
Classification: Uncertain significance for RFT1-congenital disorder of glycosylation. Last evaluated: 2022-06-15. Review status: criteria provided, single submitter. Criteria: Invitae Variant Classification Sherloc (09022015). Collection method: clinical testing. Allele origin: germline.
Comment: This sequence change replaces leucine, which is neutral and non-polar, with phenylalanine, which is neutral and non-polar, at codon 333 of the RFT1 protein (p.Leu333Phe). This variant is present in population databases (no rsID available, gnomAD 0.003%). This variant has not been reported in the literature in individuals affected with RFT1-related conditions. Algorithms developed to predict the effect of missense changes on protein structure and function are either unavailable or do not agree on the potential impact of this missense change (SIFT: "Deleterious"; PolyPhen-2: "Probably Damaging"; Align-GVGD: "Class C0"). In summary, the available evidence is currently insufficient to determine the role of this variant in disease. Therefore, it has been classified as a Variant of Uncertain Significance.

NM_052859.4(RFT1):c.997C>T (p.Leu333Phe)

Gene: RFT1 (RFT1 glycolipid translocator homolog; minus strand). Cytogenetic location: 3p21.1.
Variant type: single nucleotide variant.
Coding change: c.997C>T on transcript NM_052859.4 (MANE Select); coding-DNA position 997, C replaced by T.
Protein change: p.Leu333Phe; replaces leucine 333 with phenylalanine.
Molecular consequence: missense variant.
Genome position (GRCh38, 1-based): chr3:53,104,058, G>A on the plus strand (C>T on the coding strand, the complement: RFT1 is on the minus strand). VCF-style: chr3-53104058-G-A. GRCh37 (hg19) VCF-style: chr3-53138074-G-A.
Other names: short protein forms L333F.
Identifiers: ClinVar variation 1926252 (VCV001926252.2), dbSNP rs1396143918, ClinGen allele CA353229109.